The following is an entry in ClinVar:

NM_022455.5(NSD1):c.1964G>A (p.Ser655Asn)

Gene: NSD1 (nuclear receptor binding SET domain protein 1; plus strand). Cytogenetic location: 5q35.3.
Variant type: single nucleotide variant.
Coding change: c.1964G>A on transcript NM_022455.5 (MANE Select); coding-DNA position 1964, G replaced by A.
Protein change: p.Ser655Asn; replaces serine 655 with asparagine.
Molecular consequence: missense variant.
Genome position (GRCh38, 1-based): chr5:177,210,363, G>A. VCF-style: chr5-177210363-G-A. GRCh37 (hg19) VCF-style: chr5-176637364-G-A.
Other names: c.1091G>A, p.Ser364Asn (NM_001365684.2, NM_001409306.1, NM_001409307.1 and 3 more transcripts); c.1964G>A, p.Ser655Asn (NM_001409301.1, NM_001409302.1, NM_001409303.1); c.1544G>A, p.Ser515Asn (NM_001409304.1); c.1211G>A, p.Ser404Asn (NM_001409305.1); short protein forms S364N, S386N, S404N, S515N, S655N.
Identifiers: ClinVar variation 1710739 (VCV001710739.3), dbSNP rs370495638, ClinGen allele CA362312715.

ClinVar aggregate classification (germline): Uncertain significance. Review status: criteria provided, multiple submitters, no conflicts (2 of 4 stars). 2 submissions from 2 submitters: Uncertain significance (2). Last evaluated 2022-09-06.

Conditions:
NSD1-related disorder. Also called: NSD1-related condition.

Submissions (2):

PreventionGenetics, part of Exact Sciences
Classification: Uncertain significance for NSD1-related condition. Last evaluated: 2022-09-06. Review status: criteria provided, single submitter. Criteria: ACMG Guidelines, 2015. Collection method: clinical testing. Allele origin: germline.
Comment: The NSD1 c.1964G>A variant is predicted to result in the amino acid substitution p.Ser655Asn. To our knowledge, this variant has not been reported in the literature or in a large population database, indicating this variant is rare. At this time, the clinical significance of this variant is uncertain due to the absence of conclusive functional and genetic evidence.

GeneDx
Classification: Uncertain significance. Last evaluated: 2022-04-11. Review status: criteria provided, single submitter. Criteria: GeneDx Variant Classification Process June 2021. Collection method: clinical testing. Allele origin: germline. Affected: yes.
Comment: Not observed at significant frequency in large population cohorts (gnomAD); In silico analysis supports that this missense variant does not alter protein structure/function; Has not been previously published as pathogenic or benign to our knowledge